The following is an entry in ClinVar:

NM_000338.3(SLC12A1):c.1975T>C (p.Ser659Pro)

Gene: SLC12A1 (solute carrier family 12 member 1; plus strand). Cytogenetic location: 15q21.1.
Variant type: single nucleotide variant.
Coding change: c.1975T>C on transcript NM_000338.3 (MANE Select); coding-DNA position 1975, T replaced by C.
Protein change: p.Ser659Pro; replaces serine 659 with proline.
Molecular consequence: missense variant.
Genome position (GRCh38, 1-based): chr15:48,255,843, T>C. VCF-style: chr15-48255843-T-C. GRCh37 (hg19) VCF-style: chr15-48548040-T-C.
Other names: c.1975T>C, p.Ser659Pro (NM_001184832.2, NM_001384136.1); short protein forms S659P.
Identifiers: ClinVar variation 3318802 (VCV003318802.2).

ClinVar aggregate classification (germline): Uncertain significance. Review status: criteria provided, multiple submitters, no conflicts (2 of 4 stars). 2 submissions from 2 submitters: Uncertain significance (2). Last evaluated 2025-02-05.

Conditions:
Inborn genetic diseases. Identifiers: MedGen C0950123, MeSH D030342.

Submissions (2):

Women's Health and Genetics/Laboratory Corporation of America, LabCorp
Classification: Uncertain significance. Last evaluated: 2025-02-05. Review status: criteria provided, single submitter. Criteria: LabCorp Variant Classification Summary - May 2015. Collection method: clinical testing. Allele origin: germline.
Comment: Variant summary: SLC12A1 c.1975T>C (p.Ser659Pro) results in a non-conservative amino acid change in the encoded protein sequence. Five of five in-silico tools predict a damaging effect of the variant on protein function. The variant allele was found at a frequency of 7.8e-05 in 242314 control chromosomes. This frequency is not significantly higher than estimated for a pathogenic variant in SLC12A1 causing Bartter Syndrome, Type 1 (7.8e-05 vs 0.0011), allowing no conclusion about variant significance. To our knowledge, no occurrence of c.1975T>C in individuals affected with Bartter Syndrome, Type 1 and no experimental evidence demonstrating its impact on protein function have been reported. ClinVar contains an entry for this variant (Variation ID: 3318802). Based on the evidence outlined above, the variant was classified as uncertain significance.

Ambry Genetics
Classification: Uncertain significance for Inborn genetic diseases. Last evaluated: 2024-04-24. Review status: criteria provided, single submitter. Criteria: Ambry Variant Classification Scheme 2023. Collection method: clinical testing. Allele origin: germline.